The following is an entry in ClinVar:

NM_000090.4(COL3A1):c.3040G>A (p.Gly1014Arg)

Gene: COL3A1 (collagen type III alpha 1 chain; plus strand). Cytogenetic location: 2q32.2.
Variant type: single nucleotide variant.
Coding change: c.3040G>A on transcript NM_000090.4 (MANE Select); coding-DNA position 3040, G replaced by A.
Protein change: p.Gly1014Arg; replaces glycine 1014 with arginine.
Molecular consequence: missense variant.
Genome position (GRCh38, 1-based): chr2:189,006,206, G>A. VCF-style: chr2-189006206-G-A. GRCh37 (hg19) VCF-style: chr2-189870932-G-A.
Other names: short protein forms G1014R.
Identifiers: ClinVar variation 529317 (VCV000529317.9), dbSNP rs1553509391, ClinGen allele CA349844889.

ClinVar aggregate classification (germline): Pathogenic/Likely pathogenic. Review status: criteria provided, multiple submitters, no conflicts (2 of 4 stars). 2 submissions from 2 submitters: Pathogenic (1); Likely pathogenic (1). Last evaluated 2021-09-27.

Conditions:
Ehlers-Danlos syndrome, type 4 (EDSVASC). Also called: Ehlers-Danlos syndrome vascular type; Ehlers Danlos syndrome, ecchymotic type; Ehlers Danlos syndrome, arterial type; Ehlers Danlos syndrome, Sack-Barabas type; Ehlers-Danlos Syndrome Type IV. Identifiers: Orphanet 286, MedGen C0268338, MONDO:0017314, OMIM 130050.
Familial thoracic aortic aneurysm and aortic dissection (TAAD). Also called: Thoracic aortic aneurysms and dissections. Identifiers: Orphanet 91387, MedGen C4707243, MONDO:0019625.

Submissions (2):

Ambry Genetics
Classification: Pathogenic for Familial thoracic aortic aneurysm and aortic dissection. Last evaluated: 2021-09-27. Review status: criteria provided, single submitter. Criteria: Ambry Variant Classification Scheme 2023. Collection method: clinical testing. Allele origin: germline.
Comment: The p.G1014R pathogenic mutation (also known as c.3040G>A) is located in coding exon 42 of the COL3A1 gene. The glycine at codon 1014 is replaced by arginine, an amino acid with dissimilar properties. This change occurs in the first base pair of coding exon 42. The majority (approximately two-thirds) of COL3A1 mutations identified to date have involved the substitution of another amino acid for glycine within the triple-helical domain (Pepin MG et al. Genet Med. 2014;16(12):881-8; Frank M et al. Eur J Hum Genet. 2015;23(12):1657-64). A different variant affecting this codon (p.G1014E (c.3041G>A), also referred to as p.G847E) has been reported in association with vascular Ehlers-Danlos syndrome (Richards AJ et al. Hum Genet. 1992 Jun;89(4):414-8; Pepin MG. Genet Med. 2014 Dec;16(12):881-8). Internal structural analysis indicates that this alteration disrupts the characteristic G-X-Y motif in the COL3A1 protein and inserts a bulky side chain into a sterically-constrained region (Bella J et al. Science. 1994;266:75-81; Hohenester E et al. Proc. Natl. Acad. Sci. U.S.A. 2008;105:18273-7; Ambry internal data). This variant is considered to be rare based on population cohorts in the Genome Aggregation Database (gnomAD). This amino acid position is highly conserved in available vertebrate species. In addition, this alteration is predicted to be deleterious by in silico analysis. Based on the supporting evidence, this alteration is interpreted as a disease-causing mutation.

Labcorp Genetics (formerly Invitae), Labcorp
Classification: Likely pathogenic for Ehlers-Danlos syndrome, type 4. Last evaluated: 2017-12-21. Review status: criteria provided, single submitter. Criteria: Invitae Variant Classification Sherloc (09022015). Collection method: clinical testing. Allele origin: germline.
Comment: Glycine residues within the Gly-Xaa-Yaa repeats of the triple helix domain are required for the structure and stability of fibrillar collagens (PMID: 7695699, 8218237, 19344236). In COL3A1, missense variants at these glycine residues are significantly enriched in individuals with disease (PMID: 24922459, 25758994) compared to the general population (ExAC). A different missense substitution at this codon (p.Gly1014Glu) has been reported in an individual affected with Ehlers-Danlos syndrome, type IV (PMID: 1352273). This variant is also known as p.Gly847Glu in the literature. In summary, the currently available evidence indicates that the variant is pathogenic, but additional data are needed to prove that conclusively. Therefore, this variant has been classified as Likely Pathogenic. Algorithms developed to predict the effect of sequence changes on RNA splicing suggest that this variant may disrupt the consensus splice site, but this prediction has not been confirmed by published transcriptional studies. Algorithms developed to predict the effect of missense changes on protein structure and function do not agree on the potential impact of this missense change (SIFT: "Deleterious"; PolyPhen-2: "Probably Damaging"; Align-GVGD: "Class C0"). This variant has not been reported in the literature in individuals with COL3A1-related disease. This variant is not present in population databases (ExAC no frequency). This sequence change replaces glycine with arginine at codon 1014 of the COL3A1 protein (p.Gly1014Arg). The glycine residue is moderately conserved and there is a moderate physicochemical difference between glycine and arginine.

Literature cited by the submitters: PubMed 24922459 (cited by Ambry Genetics and Labcorp Genetics (formerly Invitae), Labcorp); PubMed 7695699 (cited by Labcorp Genetics (formerly Invitae), Labcorp); PubMed 8218237 (cited by Labcorp Genetics (formerly Invitae), Labcorp); PubMed 19344236 (cited by Labcorp Genetics (formerly Invitae), Labcorp); PubMed 25758994 (cited by Labcorp Genetics (formerly Invitae), Labcorp); PubMed 1352273 (cited by Labcorp Genetics (formerly Invitae), Labcorp).